The following is an entry in ClinVar:

ClinVar aggregate classification (germline): Benign (3 of 4 stars; one submission).

Conditions:
Breast-ovarian cancer, familial, susceptibility to, 2 (BROVCA2). Also called: BRCA2 Hereditary Breast and Ovarian Cancer. Identifiers: Orphanet 145, MedGen C2675520, MONDO:0012933, OMIM 612555. Disease mechanism: loss of function.

Allele frequency attached by ClinVar (database versions not stated): 1000 Genomes Project 30x 0.97548; 1000 Genomes Project 0.97664; TOPMed 0.97877; gnomAD 0.97965 and 0.98096.
gnomAD v4.1: 149,444 of 152,316 alleles (98%); highest among the groups gnomAD compares: East Asian, 100%; 73,379 homozygotes.

Submission:

Evidence-based Network for the Interpretation of Germline Mutant Alleles (ENIGMA)
Classification: Benign for Breast-ovarian cancer, familial 2. Last evaluated: 2015-01-12. Review status: reviewed by expert panel. Criteria: ENIGMA BRCA1/2 Classification Criteria (2015). Collection method: curation. Allele origin: germline.
Comment: Class 1 not pathogenic based on frequency >1% in an outbred sampleset. Frequency 0.909 (African), derived from 1000 genomes (2012-04-30).

NM_000059.4(BRCA2):c.9257-3175T>C

Gene: BRCA2 (BRCA2 DNA repair associated; plus strand). Cytogenetic location: 13q13.1.
Variant type: single nucleotide variant.
Coding change: c.9257-3175T>C on transcript NM_000059.4 (MANE Select); 3175 bases into the intron before coding-DNA position 9257, T replaced by C.
Molecular consequence: intron variant.
Genome position (GRCh38, 1-based): chr13:32,391,514, T>C. VCF-style: chr13-32391514-T-C. GRCh37 (hg19) VCF-style: chr13-32965651-T-C.
Other names: IVS 24-3175T>C.
Identifiers: ClinVar variation 209959 (VCV000209959.1), dbSNP rs206341, ClinGen allele CA276926.
Genomic context (GRCh38, chr13:32,391,514, plus strand): 5'-TGCCTTTCGACAGAGGGCAAGTCCAGGAGGGAACTCAGAGGTGAGTTGTCAATAGCTAGC[T>C]CTCCCCAGAAGCTGGAGGATCACATGCCTTGGTCCTGAAGGGGATCTGCACCCGCACCAT-3'